The following is an entry in ClinVar:

ClinVar aggregate classification (germline): Uncertain significance (1 of 4 stars; one submission).

Submission:

GeneDx
Classification: Uncertain significance. Last evaluated: 2026-03-27. Review status: criteria provided, single submitter. Criteria: GeneDx Variant Classification Process June 2021. Collection method: clinical testing. Allele origin: germline.
Comment: Not observed at significant frequency in large population cohorts (gnomAD); In silico analysis supports that this missense variant has a deleterious effect on protein structure/function; Has not been previously published as pathogenic or benign to our knowledge

NM_020436.5(SALL4):c.3007G>C (p.Gly1003Arg)

Gene: SALL4 (spalt like transcription factor 4; minus strand). Cytogenetic location: 20q13.2.
Variant type: single nucleotide variant.
Coding change: c.3007G>C on transcript NM_020436.5 (MANE Select); coding-DNA position 3007, G replaced by C.
Protein change: p.Gly1003Arg; replaces glycine 1003 with arginine.
Molecular consequence: missense variant.
Genome position (GRCh38, 1-based): chr20:51,784,420, C>G on the plus strand (G>C on the coding strand, the complement: SALL4 is on the minus strand). VCF-style: chr20-51784420-C-G. GRCh37 (hg19) VCF-style: chr20-50400959-C-G.
Other names: c.1696G>C, p.Gly566Arg (NM_001318031.2); short protein forms G1003R, G566R.
Identifiers: ClinVar variation 5017722 (VCV005017722.1).
Genomic context (GRCh38, chr20:51,784,420, plus strand): 5'-TACCCGACTGGGAGCCATCCATCTTGGAGACAGTGGCGTTATTCACAACGGAGGTGGCCC[C>G]CAAGGAAACCGGGAGGGTAGGAACCCCCCCACTCTGGATCACAGAGATCTCATTGGTCTT-3'
Protein context (NP_065169.1, residues 993-1013): GGVPTLPVSL[Gly1003Arg]ATSVVNNATV